The following is an entry in ClinVar:

ClinVar aggregate classification (germline): Uncertain significance. Review status: criteria provided, multiple submitters, no conflicts (2 of 4 stars). 2 submissions from 2 submitters: Uncertain significance (2). Last evaluated 2024-10-13.

Conditions:
Cardiovascular phenotype. Identifiers: MedGen CN230736.
Hereditary cancer-predisposing syndrome. Also called: Hereditary Cancer Syndrome; Hereditary neoplastic syndrome; Neoplastic Syndromes, Hereditary; Tumor predisposition. Identifiers: Orphanet 140162, MedGen C0027672, MeSH D009386, MONDO:0015356.

Allele frequency attached by ClinVar (database versions not stated): gnomAD exomes below 0.00001; TOPMed below 0.00001; gnomAD 0.00002.
gnomAD v4.1: 5 of 1,613,066 alleles (0.00031%); highest among the groups gnomAD compares: Non-Finnish European, 0.00034%; no homozygotes.

Submissions (2):

Labcorp Genetics (formerly Invitae), Labcorp
Classification: Uncertain significance. Last evaluated: 2024-10-13. Review status: criteria provided, single submitter. Criteria: Invitae Variant Classification Sherloc (09022015). Collection method: clinical testing. Allele origin: germline.
Comment: This sequence change replaces proline, which is neutral and non-polar, with leucine, which is neutral and non-polar, at codon 47 of the LZTR1 protein (p.Pro47Leu). This variant is present in population databases (no rsID available, gnomAD 0.01%). This variant has not been reported in the literature in individuals affected with LZTR1-related conditions. ClinVar contains an entry for this variant (Variation ID: 1771986). Invitae Evidence Modeling of protein sequence and biophysical properties (such as structural, functional, and spatial information, amino acid conservation, physicochemical variation, residue mobility, and thermodynamic stability) indicates that this missense variant is not expected to disrupt LZTR1 protein function with a negative predictive value of 80%. In summary, the available evidence is currently insufficient to determine the role of this variant in disease. Therefore, it has been classified as a Variant of Uncertain Significance.

Ambry Genetics
Classification: Uncertain significance for Cardiovascular phenotype; Hereditary cancer-predisposing syndrome. Last evaluated: 2022-06-01. Review status: criteria provided, single submitter. Criteria: Ambry Variant Classification Scheme 2023. Collection method: clinical testing. Allele origin: germline.
Comment: The p.P47L variant (also known as c.140C>T), located in coding exon 1 of the LZTR1 gene, results from a C to T substitution at nucleotide position 140. The proline at codon 47 is replaced by leucine, an amino acid with similar properties. This amino acid position is conserved. In addition, this alteration is predicted to be tolerated by in silico analysis. Since supporting evidence is limited at this time, the clinical significance of this alteration remains unclear.

NM_006767.4(LZTR1):c.140C>T (p.Pro47Leu)

Gene: LZTR1 (leucine zipper like post translational regulator 1; plus strand). Cytogenetic location: 22q11.21.
Variant type: single nucleotide variant.
Coding change: c.140C>T on transcript NM_006767.4 (MANE Select); coding-DNA position 140, C replaced by T.
Protein change: p.Pro47Leu; replaces proline 47 with leucine.
Molecular consequence: missense variant.
Genome position (GRCh38, 1-based): chr22:20,982,511, C>T. VCF-style: chr22-20982511-C-T. GRCh37 (hg19) VCF-style: chr22-21336800-C-T.
Other names: short protein forms P47L.
Identifiers: ClinVar variation 1771986 (VCV001771986.4), dbSNP rs1445710752, ClinGen allele CA410777905.